The following is an entry in ClinVar:

ClinVar aggregate classification (germline): Uncertain significance. Review status: criteria provided, multiple submitters, no conflicts (2 of 4 stars). 2 submissions from 2 submitters: Uncertain significance (2). Last evaluated 2023-12-18.

Allele frequency attached by ClinVar (database versions not stated): gnomAD exomes below 0.00001; TOPMed 0.00001.

Submissions (2):

Mayo Clinic Laboratories, Mayo Clinic
Classification: Uncertain significance. Last evaluated: 2023-12-18. Review status: criteria provided, single submitter. Criteria: ACMG Guidelines, 2015. Collection method: clinical testing. Allele origin: germline. Observed: 1 variant allele.
Comment: PM2_moderate

Labcorp Genetics (formerly Invitae), Labcorp
Classification: Uncertain significance. Last evaluated: 2022-08-26. Review status: criteria provided, single submitter. Criteria: Invitae Variant Classification Sherloc (09022015). Collection method: clinical testing. Allele origin: germline.
Comment: This sequence change affects the initiator methionine of the COX14 mRNA. The next in-frame methionine is located at codon 19. This variant is present in population databases (no rsID available, gnomAD 0.003%). This variant has not been reported in the literature in individuals affected with COX14-related conditions. Experimental studies and prediction algorithms are not available or were not evaluated, and the functional significance of this variant is currently unknown. In summary, the available evidence is currently insufficient to determine the role of this variant in disease. Therefore, it has been classified as a Variant of Uncertain Significance.

NM_032901.4(COX14):c.3G>A (p.Met1Ile)

Gene: COX14 (cytochrome c oxidase assembly factor COX14; plus strand). Cytogenetic location: 12q13.12.
Variant type: single nucleotide variant.
Coding change: c.3G>A on transcript NM_032901.4 (MANE Select); coding-DNA position 3, G replaced by A.
Protein change: p.Met1Ile; changes the start codon (methionine 1).
Molecular consequence: missense variant, initiator codon variant.
Genome position (GRCh38, 1-based): chr12:50,120,046, G>A. VCF-style: chr12-50120046-G-A. GRCh37 (hg19) VCF-style: chr12-50513829-G-A.
Other names: p.Met1?; c.3G>A, p.Met1Ile (NM_001257133.2, NM_001257134.2); short protein forms M1I.
Identifiers: ClinVar variation 1933098 (VCV001933098.7), dbSNP rs1209388617, ClinGen allele CA384807799.